The following is an entry in ClinVar:

NM_001148.6(ANK2):c.7266C>T (p.Ser2422=)

Genes: ANK2 (ankyrin 2; plus strand), LOC126807137 (CDK7 strongly-dependent group 2 enhancer GRCh37_chr4:114276560-114277759; plus strand). Cytogenetic location: 4q26.
Variant type: single nucleotide variant.
Coding change: c.7266C>T on transcript NM_001148.6 (MANE Select); coding-DNA position 7266, C replaced by T.
Protein change: p.Ser2422=; no amino-acid change (serine 2422 retained).
Molecular consequence: synonymous variant. On other transcripts: intron variant (68).
Genome position (GRCh38, 1-based): chr4:113,355,884, C>T. VCF-style: chr4-113355884-C-T. GRCh37 (hg19) VCF-style: chr4-114277040-C-T.
Other names: c.7032C>T, p.Ser2344= (NM_001386142.1); c.3666C>T, p.Ser1222= (NM_001386166.1); c.7407C>T, p.Ser2469= (NM_001386174.1); c.7383C>T, p.Ser2461= (NM_001386175.1); c.4412-4939C>T (NM_001386186.2, NM_001386148.2); c.4214-4939C>T (NM_001354269.3); c.4292-4939C>T (NM_001386187.2); c.4253-4939C>T (NM_001386147.1); and 35 more.
Identifiers: ClinVar variation 516922 (VCV000516922.29), dbSNP rs150349588, ClinGen allele CA3051566.

ClinVar aggregate classification (germline): Conflicting classifications of pathogenicity. Review status: criteria provided, conflicting classifications (1 of 4 stars). 7 submissions from 7 submitters: Uncertain significance (1); Likely benign (6). Last evaluated 2026-08-21.

Conditions:
Cardiac arrhythmia, ankyrin-B-related. Also called: ANKYRIN-B SYNDROME. Identifiers: Orphanet 101016, Orphanet 768, MedGen C1970119, MONDO:0010958, OMIM 600919.
Cardiovascular phenotype. Identifiers: MedGen CN230736.
Long QT syndrome (LQTS). Identifiers: MedGen C0023976, MeSH D008133, MONDO:0002442. Disease mechanism: loss of function. Inheritance: Various modes of inheritance.
ANK2-related disorder. Also called: ANK2-related condition.

Allele frequency attached by ClinVar (database versions not stated): ExAC 0.00005; gnomAD 0.00010 and 0.00011; gnomAD exomes 0.00010; TOPMed 0.00012; 1000 Genomes Project 0.00020; ESP Exome Variant Server 0.00023; 1000 Genomes Project 30x 0.00047.
gnomAD v4.1: 234 of 1,614,066 alleles (0.014%); highest among the groups gnomAD compares: African/African-American, 0.021%; no homozygotes.

Submissions (7):

PreventionGenetics, part of Exact Sciences
Classification: Likely benign for ANK2-related condition. Last evaluated: 2026-08-21. Review status: criteria provided, single submitter. Criteria: ACMG Guidelines, 2015. Collection method: clinical testing. Allele origin: germline.
Comment: This variant is classified as likely benign based on ACMG/AMP sequence variant interpretation guidelines (Richards et al. 2015 PMID: 25741868, with internal and published modifications).

Labcorp Genetics (formerly Invitae), Labcorp
Classification: Likely benign for Long QT syndrome. Last evaluated: 2025-12-08. Review status: criteria provided, single submitter. Criteria: Invitae Variant Classification Sherloc (09022015). Collection method: clinical testing. Allele origin: germline.

CeGaT Center for Human Genetics Tuebingen
Classification: Likely benign. Last evaluated: 2025-08-01. Review status: criteria provided, single submitter. Criteria: CeGaT Center For Human Genetics Tuebingen Variant Classification Criteria Version 2. Collection method: clinical testing. Allele origin: germline. Affected: yes. Observed: 1 variant allele.
Comment: ANK2: BP4, BP7

Blueprint Genetics
Classification: Likely benign. Last evaluated: 2024-04-06. Review status: criteria provided, single submitter. Criteria: ACMG Guidelines, 2015. Collection method: clinical testing. Allele origin: germline.

GeneDx
Classification: Likely benign. Last evaluated: 2019-06-17. Review status: criteria provided, single submitter. Criteria: GeneDx Variant Classification Process June 2021. Collection method: clinical testing. Allele origin: germline. Affected: yes.

Illumina Laboratory Services, Illumina
Classification: Uncertain significance for Cardiac arrhythmia, ankyrin-B-related. Last evaluated: 2018-01-12. Review status: criteria provided, single submitter. Criteria: ICSL Variant Classification Criteria 13 December 2019. Collection method: clinical testing. Allele origin: germline.

Ambry Genetics
Classification: Likely benign for Cardiovascular phenotype. Last evaluated: 2016-09-23. Review status: criteria provided, single submitter. Criteria: Ambry Variant Classification Scheme 2023. Collection method: clinical testing. Allele origin: germline.